The following is an entry in ClinVar:

ClinVar aggregate classification (germline): Uncertain significance. Review status: criteria provided, multiple submitters, no conflicts (2 of 4 stars). 2 submissions from 2 submitters: Uncertain significance (2). Last evaluated 2022-12-16.

Allele frequency attached by ClinVar (database versions not stated): ExAC 0.00001; gnomAD 0.00001; TOPMed 0.00001; gnomAD exomes 0.00002 and 0.00005; ESP Exome Variant Server 0.00008.
gnomAD v4.1: 70 of 1,610,466 alleles (0.0043%); highest among the groups gnomAD compares: Non-Finnish European, 0.0059%; no homozygotes.

Submissions (2):

Ambry Genetics
Classification: Uncertain significance. Last evaluated: 2022-12-16. Review status: criteria provided, single submitter. Criteria: Ambry Variant Classification Scheme 2023. Collection method: clinical testing. Allele origin: germline.

Labcorp Genetics (formerly Invitae), Labcorp
Classification: Uncertain significance. Last evaluated: 2022-03-14. Review status: criteria provided, single submitter. Criteria: Invitae Variant Classification Sherloc (09022015). Collection method: clinical testing. Allele origin: germline.
Comment: In summary, the available evidence is currently insufficient to determine the role of this variant in disease. Therefore, it has been classified as a Variant of Uncertain Significance. Algorithms developed to predict the effect of missense changes on protein structure and function (SIFT, PolyPhen-2, Align-GVGD) all suggest that this variant is likely to be tolerated. This variant has not been reported in the literature in individuals affected with CCDC88A-related conditions. This variant is present in population databases (rs371862942, gnomAD 0.004%). This sequence change replaces serine, which is neutral and polar, with glycine, which is neutral and non-polar, at codon 600 of the CCDC88A protein (p.Ser600Gly).

NM_001365480.1(CCDC88A):c.1798A>G (p.Ser600Gly)

Gene: CCDC88A (coiled-coil domain containing 88A; minus strand). Cytogenetic location: 2p16.1.
Variant type: single nucleotide variant.
Coding change: c.1798A>G on transcript NM_001365480.1 (MANE Select); coding-DNA position 1798, A replaced by G.
Protein change: p.Ser600Gly; replaces serine 600 with glycine.
Molecular consequence: missense variant.
Genome position (GRCh38, 1-based): chr2:55,335,023, T>C on the plus strand (A>G on the coding strand, the complement: CCDC88A is on the minus strand). VCF-style: chr2-55335023-T-C. GRCh37 (hg19) VCF-style: chr2-55562159-T-C.
Other names: c.1798A>G, p.Ser600Gly (NM_001135597.2, NM_001254943.2, NM_018084.5); c.1798A>G (NM_001135597.1); short protein forms S600G.
Identifiers: ClinVar variation 1434647 (VCV001434647.5), dbSNP rs371862942, ClinGen allele CA1666070.